The following is an entry in ClinVar:

NM_032635.4(TMEM147):c.19G>C (p.Gly7Arg)

Genes: TMEM147 (transmembrane protein 147; plus strand), TMEM147-AS1 (TMEM147 antisense RNA 1; minus strand). Cytogenetic location: 19q13.12.
Variant type: single nucleotide variant.
Coding change: c.19G>C on transcript NM_032635.4 (MANE Select); coding-DNA position 19, G replaced by C.
Protein change: p.Gly7Arg; replaces glycine 7 with arginine.
Molecular consequence: missense variant. On other transcripts: 5 prime UTR variant (1).
Genome position (GRCh38, 1-based): chr19:35,545,758, G>C. VCF-style: chr19-35545758-G-C. GRCh37 (hg19) VCF-style: chr19-36036660-G-C.
Other names: c.19G>C (NM_032635.3); c.-200G>C (NM_001242597.2); c.19G>C, p.Gly7Arg (NM_001242598.2); short protein forms G7R.
Identifiers: ClinVar variation 1711115 (VCV001711115.9), dbSNP rs200901862, ClinGen allele CA9380315.

ClinVar aggregate classification (germline): Pathogenic/Likely pathogenic. Review status: criteria provided, multiple submitters, no conflicts (2 of 4 stars). 6 submissions from 6 submitters: Pathogenic (2); Likely pathogenic (3). 1 of the submissions does not count toward it. Last evaluated 2026-08-06.

Conditions:
Neurodevelopmental disorder with facial dysmorphism, absent language, and pseudo-pelger-huet anomaly. Identifiers: Orphanet 698085, MedGen C5774232, MONDO:0859298, OMIM 620075.
Inborn genetic diseases. Identifiers: MedGen C0950123, MeSH D030342.

Allele frequency attached by ClinVar (database versions not stated): ExAC 0.00007; gnomAD 0.00014; TOPMed 0.00024; 1000 Genomes Project 30x 0.00031; 1000 Genomes Project 0.00040.

Submissions (6):

OLLIN Analises Genomicas, OLLIN
Classification: Likely pathogenic for Neurodevelopmental disorder with facial dysmorphism, absent language, and pseudo-pelger-huet anomaly. Last evaluated: 2026-08-06. Review status: criteria provided, single submitter. Criteria: ACMG Guidelines 2015 PMID 25741868. Collection method: clinical testing. Allele origin: germline. Inheritance: Autosomal recessive inheritance.
Comment: This missense variant, located in exon 1 (of 7), has been reported in ClinVar (accession VCV001711115.8), in gnomAD with an allele frequency of 0.0071%, and in the scientific literature, segregating with the phenotype and in compound heterozygosity, in individuals with TMEM147 related disorders (PMID: 36044892). In silico analysis is inconclusive regarding the impact of this variant; however, functional studies suggest that it may affect protein function (PMID: 36044892). According to the currently available evidence, this variant has been classified as likely pathogenic (PS3_P, PM2_P, PM3, PP1).

Ambry Genetics
Classification: Likely pathogenic for Inborn genetic diseases. Last evaluated: 2026-06-05. Review status: criteria provided, single submitter. Criteria: Ambry Variant Classification Scheme 2023. Collection method: clinical testing. Allele origin: germline.
Comment: The c.19G>C (p.G7R) alteration is located in exon 1 (coding exon 1) of the TMEM147 gene. This alteration results from a G to C substitution at nucleotide position 19, causing the glycine (G) at amino acid position 7 to be replaced by an arginine (R). Based on data from gnomAD, the C allele has an overall frequency of 0.005% (14/279204) total alleles studied. The highest observed frequency was 0.014% (5/35396) of Latino alleles. This variant has been reported to be homozygous in five individuals from four families with features consistent with TMEM147-related neurodevelopmental disorder (Thomas, 2022; external communication; Ambry internal data). This amino acid position is highly conserved in available vertebrate species. In an assay testing TMEM147 function, this variant showed a functionally abnormal result (Thomas, 2022). This alteration is predicted to be tolerated by in silico analysis. Based on the available evidence, this alteration is classified as likely pathogenic.

Labcorp Genetics (formerly Invitae), Labcorp
Classification: Pathogenic. Last evaluated: 2026-01-15. Review status: criteria provided, single submitter. Criteria: Invitae Variant Classification Sherloc (09022015). Collection method: clinical testing. Allele origin: germline.
Comment: This sequence change replaces glycine, which is neutral and non-polar, with arginine, which is basic and polar, at codon 7 of the TMEM147 protein (p.Gly7Arg). This variant is present in population databases (rs200901862, gnomAD 0.01%). This missense change has been observed in individuals with clinical features of TMEM147-related neurodevelopmental disorder (PMID: 36044892; internal data). It has also been observed to segregate with disease in related individuals. ClinVar contains an entry for this variant (Variation ID: 1711115). An algorithm developed to predict the effect of missense changes on protein structure and function (PolyPhen-2) suggests that this variant is likely to be disruptive. Experimental studies have shown that this missense change affects TMEM147 function (PMID: 36044892). For these reasons, this variant has been classified as Pathogenic.

Variantyx, Inc.
Classification: Likely pathogenic for Neurodevelopmental disorder with facial dysmorphism, absent language, and pseudo-pelger-huet anomaly. Last evaluated: 2025-07-25. Review status: criteria provided, single submitter. Criteria: Variantyx Assertion Criteria 2022. Collection method: clinical testing. Allele origin: germline. Inheritance: Autosomal recessive inheritance. Affected: no.
Comment: This is a nonsynonymous variant in the TMEM147 gene (OMIM: 613585). Pathogenic variants in this gene have been associated with neurodevelopmental disorder with facial dysmorphism, absent language, and pseudo-Pelger-Huet anomaly. This variant has been reported in the homozygous state in at least 2 unrelated affected individuals (PMID: 36044892) (PM3). Functional studies have shown that this variant alters TMEM147 protein function (PMID: 36044892) (PS3_Moderate), and multiple computational algorithms predict a deleterious effect for this substitution (PP3). This variant has a 0.0981% maximum allele frequency in non-founder control populations (PM2). Based on the current evidence, this variant is classified as likely pathogenic for neurodevelopmental disorder with facial dysmorphism, absent language, and pseudo-Pelger-Huet anomaly.

Equipe Genetique des Anomalies du Developpement, Université de Bourgogne
Classification: Pathogenic for Neurodevelopmental disorder with facial dysmorphism, absent language, and pseudo-pelger-huet anomaly. Review status: criteria provided, single submitter. Criteria: ACMG Guidelines, 2015. Collection method: clinical testing. Allele origin: biparental. Affected: yes.

OMIM
Classification: Pathogenic for NEURODEVELOPMENTAL DISORDER WITH FACIAL DYSMORPHISM, ABSENT LANGUAGE, AND PSEUDO-PELGER-HUET ANOMALY. Last evaluated: 2022-10-18. Review status: no assertion criteria provided. Collection method: literature only. Allele origin: germline. Not counted in ClinVar's aggregate classification.

Literature cited by the submitters: PubMed 36044892 (cited by 5 submitters).